The following is an entry in ClinVar:

NM_003002.4(SDHD):c.53-1_53delinsTT

Gene: SDHD (succinate dehydrogenase complex subunit D; plus strand). Cytogenetic location: 11q23.1.
Variant type: Indel.
Coding change: c.53-1_53delinsTT on transcript NM_003002.4 (MANE Select); the canonical splice acceptor site of the intron before coding-DNA position 53 through coding-DNA position 53, GC replaced by TT.
Molecular consequence: splice acceptor variant. On other transcripts: intron variant (1).
Genome position (GRCh38, 1-based): chr11:112,087,856-112,087,857, GC replaced by TT. VCF-style: chr11-112087856-GC-TT. GRCh37 (hg19) VCF-style: chr11-111958580-GC-TT.
Other names: c.53-1_53delinsTT (NM_001276506.2, NM_001276503.2); c.52+897_52+898delinsTT (NM_001276504.2); c.53-1_53delGCinsTT (NM_003002.2).
Identifiers: ClinVar variation 579812 (VCV000579812.3), dbSNP rs1566691921, ClinGen allele CA891842627.

ClinVar aggregate classification (germline): Conflicting classifications of pathogenicity. Review status: criteria provided, conflicting classifications (1 of 4 stars). 3 submissions from 3 submitters: Likely pathogenic (2); Uncertain significance (1). Last evaluated 2026-03-16.

Conditions:
Pheochromocytoma. Also called: MAX-Related Hereditary Paraganglioma-Pheochromocytoma Syndrome. Identifiers: Orphanet 29072, MedGen C0031511, MONDO:0008233, OMIM 171300, HP:0002666.
Cowden syndrome 3 (CWS3). Identifiers: Orphanet 201, MedGen CN166604, MONDO:0014045.
Pheochromocytoma/paraganglioma syndrome 1. Also called: SDHD-Related Hereditary Paraganglioma-Pheochromocytoma Syndrome; Paragangliomas 1; Glomus tumors familial 1; PARAGANGLIOMAS, FAMILIAL NONCHROMAFFIN, 1; PGL 1; Paragangliomas familial 1. Identifiers: Orphanet 29072, MedGen C3494181, MONDO:0008192, OMIM 168000.
Carney-Stratakis syndrome. Also called: PARAGANGLIOMA AND GASTROINTESTINAL STROMAL TUMOR. Identifiers: Orphanet 97286, MedGen C1847319, MONDO:0011740, OMIM 606864.
Hereditary cancer-predisposing syndrome. Also called: Neoplastic Syndromes, Hereditary; Tumor predisposition; Hereditary neoplastic syndrome; Hereditary Cancer Syndrome. Identifiers: Orphanet 140162, MedGen C0027672, MeSH D009386, MONDO:0015356.

Submissions (3):

GeneDx
Classification: Likely pathogenic. Last evaluated: 2026-03-16. Review status: criteria provided, single submitter. Criteria: GeneDx Variant Classification Process June 2021. Collection method: clinical testing. Allele origin: germline.
Comment: Canonical splice site variant predicted to result in an in-frame loss of the adjacent exon in a gene for which loss of function is a known mechanism of disease; Not observed at significant frequency in large population cohorts (gnomAD); Observed in an individual from an unselected population cohort undergoing genomic testing (PMID: 35668420); This variant is associated with the following publications: (PMID: 35668420)

Ambry Genetics
Classification: Uncertain significance for Hereditary cancer-predisposing syndrome. Last evaluated: 2026-03-02. Review status: criteria provided, single submitter. Criteria: Ambry Variant Classification Scheme 2023. Collection method: clinical testing. Allele origin: germline.
Comment: The c.53-1_53delGCinsTT variant results from a deletion of two nucleotides and the insertion of two nucleotides between positions c.53-1 and c.53. This variant involves the canonical splice acceptor site before coding exon 2 of the SDHD gene. These nucleotide positions are highly conserved. Variants that disrupt the canonical splice site are expected to result in aberrant splicing. In silico splice site analysis predicts that this alteration will weaken the native splice acceptor site and may result in the creation of a novel splice acceptor site. A resulting transcript is predicted to be in-frame and is not expected to trigger nonsense-mediated mRNA decay; however, direct evidence is insufficient. Based on the available evidence, the clinical significance of this variant remains unclear.

Labcorp Genetics (formerly Invitae), Labcorp
Classification: Likely pathogenic for Paraganglioma and gastric stromal sarcoma; Paragangliomas 1; Pheochromocytoma; Cowden syndrome 3. Last evaluated: 2018-06-12. Review status: criteria provided, single submitter. Criteria: Invitae Variant Classification Sherloc (09022015). Collection method: clinical testing. Allele origin: germline.
Comment: This sequence change affects an acceptor splice site in intron 1 of the SDHD gene. It is expected to disrupt RNA splicing and likely results in an absent or disrupted protein product. This variant is not present in population databases (ExAC no frequency). This variant has not been reported in the literature in individuals with SDHD-related disease. Donor and acceptor splice site variants typically lead to a loss of protein function (PMID: 16199547), and loss-of-function variants in SDHD are known to be pathogenic (PMID: 19454582, 19802898). In summary, the currently available evidence indicates that the variant is pathogenic, but additional data are needed to prove that conclusively. Therefore, this variant has been classified as Likely Pathogenic.

Literature cited by the submitters: PubMed 19454582 (cited by Labcorp Genetics (formerly Invitae), Labcorp); PubMed 19802898 (cited by Labcorp Genetics (formerly Invitae), Labcorp).